The following is an entry in ClinVar:

NM_000284.4(PDHA1):c.535C>G (p.Leu179Val)

Gene: PDHA1 (pyruvate dehydrogenase E1 subunit alpha 1; plus strand). Cytogenetic location: Xp22.12.
Variant type: single nucleotide variant.
Coding change: c.535C>G on transcript NM_000284.4 (MANE Select); coding-DNA position 535, C replaced by G.
Protein change: p.Leu179Val; replaces leucine 179 with valine.
Molecular consequence: missense variant. On other transcripts: intron variant (1).
Genome position (GRCh38, 1-based): chrX:19,354,515, C>G. VCF-style: chrX-19354515-C-G. GRCh37 (hg19) VCF-style: chrX-19372633-C-G.
Other names: p.L179V; c.649C>G, p.Leu217Val (NM_001173454.2); c.556C>G, p.Leu186Val (NM_001173455.2); c.511-834C>G (NM_001173456.2); short protein forms L179V, L186V, L217V.
Identifiers: ClinVar variation 1309142 (VCV001309142.12), dbSNP rs2147179733, ClinGen allele CA412393929.

ClinVar aggregate classification (germline): Conflicting classifications of pathogenicity. Review status: criteria provided, conflicting classifications (1 of 4 stars). 6 submissions from 6 submitters: Likely pathogenic (1); Uncertain significance (3). 2 of the submissions do not count toward it. Last evaluated 2026-06-01.

Conditions:
Pyruvate dehydrogenase E1-alpha deficiency (PDHAD). Also called: ATAXIA, INTERMITTENT, WITH PYRUVATE DEHYDROGENASE DEFICIENCY; ATAXIA WITH LACTIC ACIDOSIS I; ATAXIA, INTERMITTENT, WITH ABNORMAL PYRUVATE METABOLISM; Ataxia, intermittent, with pyruvate dehydrogenase, or decarboxylase, deficiency. Identifiers: Orphanet 79243, MedGen C1839413, MONDO:0010717, OMIM 312170.

Submissions (6):

CeGaT Center for Human Genetics Tuebingen
Classification: Uncertain significance. Last evaluated: 2026-06-01. Review status: criteria provided, single submitter. Criteria: CeGaT Center For Human Genetics Tuebingen Variant Classification Criteria Version 2. Collection method: clinical testing. Allele origin: germline. Affected: yes. Observed: 1 variant allele.
Comment: PDHA1: PM2, PP2, PS4:Supporting

Labcorp Genetics (formerly Invitae), Labcorp
Classification: Uncertain significance for Pyruvate dehydrogenase E1-alpha deficiency. Last evaluated: 2025-03-26. Review status: criteria provided, single submitter. Criteria: Invitae Variant Classification Sherloc (09022015). Collection method: clinical testing. Allele origin: germline.
Comment: This sequence change replaces leucine, which is neutral and non-polar, with valine, which is neutral and non-polar, at codon 179 of the PDHA1 protein (p.Leu179Val). This variant is not present in population databases (gnomAD no frequency). This variant has not been reported in the literature in individuals affected with PDHA1-related conditions. ClinVar contains an entry for this variant (Variation ID: 1309142). Invitae Evidence Modeling of protein sequence and biophysical properties (such as structural, functional, and spatial information, amino acid conservation, physicochemical variation, residue mobility, and thermodynamic stability) indicates that this missense variant is expected to disrupt PDHA1 protein function with a positive predictive value of 95%. In summary, the available evidence is currently insufficient to determine the role of this variant in disease. Therefore, it has been classified as a Variant of Uncertain Significance.

GeneDx
Classification: Uncertain significance. Last evaluated: 2024-10-07. Review status: criteria provided, single submitter. Criteria: GeneDx Variant Classification Process June 2021. Collection method: clinical testing. Allele origin: germline. Affected: yes.
Comment: Not observed in large population cohorts (gnomAD); In silico analysis indicates that this missense variant does not alter protein structure/function; Has not been previously published as pathogenic or benign to our knowledge

Service de Génétique Médicale, Centre Hospitalier Universitaire de Nice-Université Côte d'Azur
Classification: Likely pathogenic for Pyruvate dehydrogenase E1-alpha deficiency. Last evaluated: 2024-02-27. Review status: criteria provided, single submitter. Criteria: ACMG Guidelines, 2015. Collection method: clinical testing. Allele origin: germline. Affected: yes.

PDHA1 Study Group, University Children’s Hospital, Paracelsus Medical University
Classification: Likely pathogenic for Pyruvate dehydrogenase E1-alpha deficiency. Last evaluated: 2024-10-15. Review status: no assertion criteria provided. Collection method: research. Allele origin: inherited. Affected: yes. Observed: 3 variant alleles. Not counted in ClinVar's aggregate classification.
Comment: The NM_000284.3:c.535C>G (p.Leu179Val) substitution is a missense variant in PDHA1 gene.In total, 3 individuals were diagnosed with PDHA1-related Pyruvate dehydrogenase complex (PDHc) deficiency (MIM #312170). These include 3 males. Among them, 2 were confirmed inherited. This variant has been identified in 3 unpublished cases from internal data. Last literature search: July 12, 2024. This variant is absent or extremely rare in population-based cohorts in the Genome Aggregation Database (gnomAD). Individuals harboring this variant presented with clinical features compatible with PDHA1-related PDHc deficiency. In summary, this variant meets criteria to be classified as likely pathogenic (LP) for PDHA1-related PDHc deficiency based on the ACMG/AMP criteria applied: PM1, PM2, PM7, PP3, PP4 (last assessment October 15, 2024).

Undiagnosed Diseases Network, NIH
Classification: Uncertain significance for Pyruvate dehydrogenase E1-alpha deficiency. Last evaluated: 2022-08-17. Review status: no assertion criteria provided. Collection method: clinical testing. Allele origin: inherited. Affected: yes. Observed: 2 variant alleles, 1 hemizygote. Study: Undiagnosed Diseases Network (NIH), UDN. Not counted in ClinVar's aggregate classification.
Comment: PDHA1 is a gene that encodes for the PDH complex, so we are suspicious this gene is the cause of our patient's presentation

Literature cited by the submitters: PubMed 38703036 (cited by Service de Génétique Médicale, Centre Hospitalier Universitaire de Nice-Université Côte d'Azur); DOI 10.1093/brain/awaf430 (cited by PDHA1 Study Group, University Children’s Hospital, Paracelsus Medical University).